The following is an entry in ClinVar:

ClinVar aggregate classification (germline): Uncertain significance (1 of 4 stars; one submission).

Allele frequency attached by ClinVar (database versions not stated): gnomAD 0.00004; ExAC 0.00001; TOPMed 0.00002.

Submission:

Labcorp Genetics (formerly Invitae), Labcorp
Classification: Uncertain significance. Last evaluated: 2022-05-09. Review status: criteria provided, single submitter. Criteria: Invitae Variant Classification Sherloc (09022015). Collection method: clinical testing. Allele origin: germline.
Comment: Algorithms developed to predict the effect of missense changes on protein structure and function are either unavailable or do not agree on the potential impact of this missense change (SIFT: "Tolerated"; PolyPhen-2: "Possibly Damaging"; Align-GVGD: "Class C0"). In summary, the available evidence is currently insufficient to determine the role of this variant in disease. Therefore, it has been classified as a Variant of Uncertain Significance. This variant has not been reported in the literature in individuals affected with SBF1-related conditions. This variant is present in population databases (rs757209579, gnomAD 0.01%). This sequence change replaces arginine, which is basic and polar, with tryptophan, which is neutral and slightly polar, at codon 731 of the SBF1 protein (p.Arg731Trp).

NM_002972.4(SBF1):c.2191C>T (p.Arg731Trp)

Gene: SBF1 (SET binding factor 1; minus strand). Cytogenetic location: 22q13.33.
Variant type: single nucleotide variant.
Coding change: c.2191C>T on transcript NM_002972.4 (MANE Select); coding-DNA position 2191, C replaced by T.
Protein change: p.Arg731Trp; replaces arginine 731 with tryptophan.
Molecular consequence: missense variant.
Genome position (GRCh38, 1-based): chr22:50,462,410, G>A on the plus strand (C>T on the coding strand, the complement: SBF1 is on the minus strand). VCF-style: chr22-50462410-G-A. GRCh37 (hg19) VCF-style: chr22-50900839-G-A.
Other names: c.2194C>T, p.Arg732Trp (NM_001365819.1, NM_001410794.1); c.2191C>T, p.Arg731Trp (NM_001410795.1, NM_197971.1); short protein forms R732W, R731W.
Identifiers: ClinVar variation 2078038 (VCV002078038.4), dbSNP rs757209579, ClinGen allele CA10317302.